The following is an entry in ClinVar:

NM_052876.4(NACC1):c.1038A>C (p.Glu346Asp)

Gene: NACC1 (nucleus accumbens associated 1; plus strand). Cytogenetic location: 19p13.13.
Variant type: single nucleotide variant.
Coding change: c.1038A>C on transcript NM_052876.4 (MANE Select); coding-DNA position 1038, A replaced by C.
Protein change: p.Glu346Asp; replaces glutamic acid 346 with aspartic acid.
Molecular consequence: missense variant.
Genome position (GRCh38, 1-based): chr19:13,136,323, A>C. VCF-style: chr19-13136323-A-C. GRCh37 (hg19) VCF-style: chr19-13247137-A-C.
Other names: short protein forms E346D.
Identifiers: ClinVar variation 931635 (VCV000931635.3), dbSNP rs2019706598, ClinGen allele CA404327408.

ClinVar aggregate classification (germline): Uncertain significance (1 of 4 stars; one submission).

Conditions:
Neurodevelopmental disorder with epilepsy, cataracts, feeding difficulties, and delayed brain myelination (NECFM). Identifiers: Orphanet 500545, MedGen C4479333, MONDO:0044306, OMIM 617393.

Submission:

Centre for Mendelian Genomics, University Medical Centre Ljubljana
Classification: Uncertain significance for Neurodevelopmental disorder with epilepsy, cataracts, feeding difficulties, and delayed brain myelination. Last evaluated: 2019-08-07. Review status: criteria provided, single submitter. Criteria: ACMG Guidelines, 2015. Collection method: clinical testing. Allele origin: unknown. Affected: yes.
Comment: This variant was classified as: Uncertain significance. The available evidence on this variant's pathogenicity is insufficient or conflicting. The following ACMG criteria were applied in classifying this variant: PM2.